The following is an entry in ClinVar:

ClinVar aggregate classification (germline): Likely benign. Review status: criteria provided, multiple submitters, no conflicts (2 of 4 stars). 5 submissions from 5 submitters: Likely benign (3). 2 of the submissions do not count toward it. Last evaluated 2025-12-01.

Conditions:
DNAH5-related disorder. Also called: DNAH5-related condition.
Primary ciliary dyskinesia. Also called: Ciliary dyskinesia. Identifiers: Orphanet 244, MedGen C0008780, MONDO:0016575, HP:0012265.

Allele frequency attached by ClinVar (database versions not stated): gnomAD exomes 0.00004; gnomAD 0.00005 and 0.00006; TOPMed 0.00012.
gnomAD v4.1: 114 of 1,613,792 alleles (0.0071%); highest among the groups gnomAD compares: East Asian, 0.056%; 1 homozygote.

Submissions (5):

Labcorp Genetics (formerly Invitae), Labcorp
Classification: Likely benign for Primary ciliary dyskinesia. Last evaluated: 2025-12-01. Review status: criteria provided, single submitter. Criteria: Invitae Variant Classification Sherloc (09022015). Collection method: clinical testing. Allele origin: germline.

Blueprint Genetics
Classification: Likely benign. Last evaluated: 2024-11-14. Review status: criteria provided, single submitter. Criteria: ACMG Guidelines, 2015. Collection method: clinical testing. Allele origin: germline.

Ambry Genetics
Classification: Likely benign for Primary ciliary dyskinesia. Last evaluated: 2023-03-19. Review status: criteria provided, single submitter. Criteria: Ambry Variant Classification Scheme 2023. Collection method: clinical testing. Allele origin: germline.

Natera, Inc.
Classification: Likely benign for Primary ciliary dyskinesia. Last evaluated: 2020-06-05. Review status: no assertion criteria provided. Collection method: clinical testing. Allele origin: germline. Not counted in ClinVar's aggregate classification.

PreventionGenetics, part of Exact Sciences
Classification: Likely benign for DNAH5-related condition. Last evaluated: 2020-01-03. Review status: no assertion criteria provided. Collection method: clinical testing. Allele origin: germline. Not counted in ClinVar's aggregate classification.
Comment: This variant is classified as likely benign based on ACMG/AMP sequence variant interpretation guidelines (Richards et al. 2015 PMID: 25741868, with internal and published modifications).

NM_001369.3(DNAH5):c.537G>A (p.Thr179=)

Gene: DNAH5 (dynein axonemal heavy chain 5; minus strand). Cytogenetic location: 5p15.2.
Variant type: single nucleotide variant.
Coding change: c.537G>A on transcript NM_001369.3 (MANE Select); coding-DNA position 537, G replaced by A.
Protein change: p.Thr179=; no amino-acid change (threonine 179 retained).
Molecular consequence: synonymous variant.
Genome position (GRCh38, 1-based): chr5:13,922,230, C>T on the plus strand (G>A on the coding strand, the complement: DNAH5 is on the minus strand). VCF-style: chr5-13922230-C-T. GRCh37 (hg19) VCF-style: chr5-13922339-C-T.
Identifiers: ClinVar variation 695470 (VCV000695470.16), dbSNP rs370805321, ClinGen allele CA3205155.
Genomic context (GRCh38, chr5:13,922,230, plus strand): 5'-GAACTCCTGGCGAATGTTAGCTGCGTCCTGAAGGCCCTCGAGCTCGCCCCAGCCATGGCT[C>T]GTGGCTCTGAGAGCAGGAATGAAGATGTCCGACAGCAAACGTCTCACACTGTTGAGCAGG-3'
Protein context (NP_001360.1, residues 169-189): SDIFIPALRA[Thr179=]SHGWGELEGL